The following is an entry in ClinVar:

ClinVar aggregate classification (germline): Likely benign. Review status: criteria provided, multiple submitters, no conflicts (2 of 4 stars). 4 submissions from 4 submitters: Likely benign (4). Last evaluated 2024-06-09.

Conditions:
Hypertrophic cardiomyopathy. Also called: HYPERTROPHIC MYOCARDIOPATHY. Identifiers: Orphanet 217569, MedGen C0007194, MeSH D002312, MONDO:0005045, HP:0001639.
Cardiovascular phenotype. Identifiers: MedGen CN230736.
Cardiomyopathy (CMYO). Also called: Cardiomyopathies. Identifiers: Orphanet 167848, MedGen C0878544, MONDO:0004994, HP:0001638. Inheritance: Various modes of inheritance.

Allele frequency attached by ClinVar (database versions not stated): gnomAD 0.00001 and 0.00002; TOPMed 0.00001.
gnomAD v4.1: 11 of 1,614,082 alleles (0.00068%); highest among the groups gnomAD compares: South Asian, 0.0077%; no homozygotes.

Submissions (4):

All of Us Research Program, National Institutes of Health
Classification: Likely benign for Cardiomyopathy. Last evaluated: 2024-06-09. Review status: criteria provided, single submitter. Criteria: ACMG Guidelines, 2015. Collection method: clinical testing. Allele origin: germline. Inheritance: Autosomal dominant inheritance. Observed: 2 variant alleles, 2 heterozygotes.
Comment: This study involves interpretation of variants in research participants for the purpose of population health screening. Participant phenotype was not available at the time of variant classification. Additional details can be found in publication PMID: 35346344, PMCID: PMC8962531

Labcorp Genetics (formerly Invitae), Labcorp
Classification: Likely benign for Hypertrophic cardiomyopathy. Last evaluated: 2024-02-06. Review status: criteria provided, single submitter. Criteria: Invitae Variant Classification Sherloc (09022015). Collection method: clinical testing. Allele origin: germline.

Ambry Genetics
Classification: Likely benign for Cardiovascular phenotype. Last evaluated: 2023-03-11. Review status: criteria provided, single submitter. Criteria: Ambry Variant Classification Scheme 2023. Collection method: clinical testing. Allele origin: germline.

Color Diagnostics, LLC DBA Color Health
Classification: Likely benign for Cardiomyopathy. Last evaluated: 2018-10-08. Review status: criteria provided, single submitter. Criteria: ACMG Guidelines, 2015. Collection method: clinical testing. Allele origin: germline.

NM_000257.4(MYH7):c.1065C>T (p.Ala355=)

Gene: MYH7 (myosin heavy chain 7; minus strand). Cytogenetic location: 14q11.2.
Variant type: single nucleotide variant.
Coding change: c.1065C>T on transcript NM_000257.4 (MANE Select); coding-DNA position 1065, C replaced by T.
Protein change: p.Ala355=; no amino-acid change (alanine 355 retained).
Molecular consequence: synonymous variant.
Genome position (GRCh38, 1-based): chr14:23,429,848, G>A on the plus strand (C>T on the coding strand, the complement: MYH7 is on the minus strand). VCF-style: chr14-23429848-G-A. GRCh37 (hg19) VCF-style: chr14-23899057-G-A.
Identifiers: ClinVar variation 629464 (VCV000629464.12), dbSNP rs778136999, ClinGen allele CA027507.